The following is an entry in ClinVar:

NM_053025.4(MYLK):c.4114del (p.Asp1372fs)

Gene: MYLK (myosin light chain kinase; minus strand). Cytogenetic location: 3q21.1.
Variant type: Deletion.
Coding change: c.4114del on transcript NM_053025.4 (MANE Select); coding-DNA position 4114, one base deleted (G; older notation c.4114delG).
Protein change: p.Asp1372fs; shifts the reading frame from aspartic acid 1372.
Molecular consequence: frameshift variant.
Genome position (GRCh38, 1-based): chr3:123,657,300, C deleted on the plus strand (G on the coding strand, the reverse complement: MYLK is on the minus strand); the first of 3 consecutive C bases (chr3:123,657,300-123,657,302); deleting any one gives the same sequence. VCF-style (leftmost placement, unchanged base first): chr3-123657299-TC-T. GRCh37 (hg19) VCF-style: chr3-123376146-TC-T.
Other names: c.3586del, p.Asp1196fs (NM_001321309.2); c.3907del, p.Asp1303fs (NM_053026.4, NM_053028.4); c.4114del, p.Asp1372fs (NM_053027.4); short protein forms D1196fs, D1303fs, D1372fs.
Identifiers: ClinVar variation 1069085 (VCV001069085.9), dbSNP rs2108273387, ClinGen allele CA2499216422.

ClinVar aggregate classification (germline): Pathogenic (1 of 4 stars; one submission).

Conditions:
Aortic aneurysm, familial thoracic 7 (AAT7). Also called: AORTIC DISSECTION, FAMILIAL, WITH OR WITHOUT AORTIC ANEURYSM. Identifiers: MedGen C3151077, MONDO:0013418, OMIM 613780.

Submission:

Labcorp Genetics (formerly Invitae), Labcorp
Classification: Pathogenic for Aortic aneurysm, familial thoracic 7. Last evaluated: 2025-08-05. Review status: criteria provided, single submitter. Criteria: Invitae Variant Classification Sherloc (09022015). Collection method: clinical testing. Allele origin: germline.
Comment: This sequence change creates a premature translational stop signal (p.Asp1372Thrfs*10) in the MYLK gene. This variant occurs within the aortic-specific isoform of MYLK. Loss-of-function variants in the aortic-specific isoform of MYLK are known to be pathogenic for thoracic aortic dissections (PMID: 21055718). This variant is not present in population databases (gnomAD no frequency). This variant has not been reported in the literature in individuals affected with MYLK-related conditions. ClinVar contains an entry for this variant (Variation ID: 1069085). For these reasons, this variant has been classified as Pathogenic.

Literature cited by the submitters: PubMed 21055718.